The following is an entry in ClinVar:

ClinVar aggregate classification (germline): Pathogenic. Review status: criteria provided, multiple submitters, no conflicts (2 of 4 stars). 7 submissions from 7 submitters: Pathogenic (4). 3 of the submissions do not count toward it. Last evaluated 2025-12-13.

Conditions:
KRT5-related disorder. Also called: KRT5-related condition.
Epidermolysis bullosa simplex 2C, localized (EBS2C). Also called: Epidermolysis bullosa simplex 2C, Weber-Cockayne type. Identifiers: MedGen C5562011, MONDO:0030527, OMIM 619594.
Dowling-Degos disease 1. Identifiers: Orphanet 79145, MedGen C4552092, MONDO:0024534, OMIM 179850.
Epidermolysis bullosa simplex 1C, localized. Also called: EBS, ACRAL FORM; EPIDERMOLYSIS BULLOSA OF HANDS AND FEET; Weber-Cockayne Syndrome; Epidermolysis Bullosa Simplex, Weber-Cockayne Type; Localized epidermolysis bullosa simplex. Identifiers: Orphanet 79400, MedGen C0080333, MONDO:0007551, OMIM 131800.
Epidermolysis bullosa simplex 1D, generalized, intermediate or severe, autosomal recessive. Identifiers: Orphanet 89838, MedGen C3715082, MONDO:0010976, OMIM 601001.
Epidermolysis bullosa simplex, Koebner type. Identifiers: Orphanet 79399, MedGen C5561924, MONDO:0007554, OMIM 131900.
Epidermolysis bullosa simplex with migratory circinate erythema. Also called: Epidermolysis bullosa simplex 2E, with migratory circinate erythema. Identifiers: Orphanet 158681, MedGen C1836284, MONDO:0012258, OMIM 609352.
Epidermolysis bullosa simplex with mottled pigmentation (EBS2F). Also called: EPIDERMOLYSIS BULLOSA SIMPLEX 2F, WITH MOTTLED PIGMENTATION; SPECKLED HYPERPIGMENTATION WITH PUNCTATE PALMOPLANTAR KERATOSES AND CHILDHOOD BLISTERING. Identifiers: Orphanet 79397, MedGen C0432316, MONDO:0007556, OMIM 131960.
Epidermolysis bullosa simplex 1A, generalized severe (EBS1A). Also called: Epidermolysis bullosa simplex Dowling-Meara type. Identifiers: Orphanet 79396, MedGen C0079295, MONDO:0007550, OMIM 131760.

Submissions (7):

Labcorp Genetics (formerly Invitae), Labcorp
Classification: Pathogenic. Last evaluated: 2025-12-13. Review status: criteria provided, single submitter. Criteria: Invitae Variant Classification Sherloc (09022015). Collection method: clinical testing. Allele origin: germline.
Comment: This sequence change replaces methionine, which is neutral and non-polar, with threonine, which is neutral and polar, at codon 327 of the KRT5 protein (p.Met327Thr). This variant is not present in population databases (gnomAD no frequency). This missense change has been observed in individual(s) with Weber-Cockayne epidermolysis bullosa simplex (PMID: 7520042). It has also been observed to segregate with disease in related individuals. ClinVar contains an entry for this variant (Variation ID: 14641). Invitae Evidence Modeling of protein sequence and biophysical properties (such as structural, functional, and spatial information, amino acid conservation, physicochemical variation, residue mobility, and thermodynamic stability) indicates that this missense variant is expected to disrupt KRT5 protein function with a positive predictive value of 80%. Experimental studies have shown that this missense change affects KRT5 function (PMID: 7520042). For these reasons, this variant has been classified as Pathogenic.

GeneDx
Classification: Pathogenic. Last evaluated: 2022-11-28. Review status: criteria provided, single submitter. Criteria: GeneDx Variant Classification Process June 2021. Collection method: clinical testing. Allele origin: germline. Affected: yes.
Comment: Published functional studies demonstrate shorter and less uniform K5 and K14 filaments (Chan et al., 1994); Located in the L12 linker region hotspot region that is intolerant to change (Bchetnia et al., 2012); In silico analysis supports that this missense variant has a deleterious effect on protein structure/function; Not observed at significant frequency in large population cohorts (gnomAD); This variant is associated with the following publications: (PMID: 12101866, 21877134, 35247839, 33960018, 7520042, 8807337, 20199538)

Fulgent Genetics
Classification: Pathogenic for Epidermolysis bullosa simplex 1A, generalized severe; Epidermolysis bullosa simplex 1C, localized; Epidermolysis bullosa simplex, Koebner type; Epidermolysis bullosa simplex with mottled pigmentation; Dowling-Degos disease 1; Epidermolysis bullosa simplex 1D, generalized, intermediate or severe, autosomal recessive; Epidermolysis bullosa simplex with migratory circinate erythema. Last evaluated: 2018-10-31. Review status: criteria provided, single submitter. Criteria: ACMG Guidelines, 2015. Collection method: clinical testing. Allele origin: unknown.

Centre for Mendelian Genomics, University Medical Centre Ljubljana
Classification: Pathogenic for Epidermolysis bullosa simplex, Koebner type. Last evaluated: 2016-01-01. Review status: criteria provided, single submitter. Criteria: ACMG Guidelines, 2015. Collection method: clinical testing. Allele origin: unknown. Affected: yes.
Comment: This variant was classified as: Pathogenic. The following ACMG criteria were applied in classifying this variant: PS1,PM1,PM2,PM5,PP3.

PreventionGenetics, part of Exact Sciences
Classification: Likely pathogenic for KRT5-related condition. Last evaluated: 2024-02-20. Review status: no assertion criteria provided. Collection method: clinical testing. Allele origin: germline. Not counted in ClinVar's aggregate classification.
Comment: The KRT5 c.980T>C variant is predicted to result in the amino acid substitution p.Met327Thr. This variant has been reported to segregate with autosomal dominant epidermolysis bullosa simplex in multiple individuals from two large family cohorts (Figure 2, Chan et al. 1994. PubMed ID: 7520042; Figure 1, Humphries et al. 1996. PubMed ID: 8807337). This variant has not been reported in a large population database, indicating it is rare. This variant is interpreted as likely pathogenic.

OMIM
Classification: Pathogenic for EPIDERMOLYSIS BULLOSA SIMPLEX 2C, LOCALIZED. Last evaluated: 1996-01-01. Review status: no assertion criteria provided. Collection method: literature only. Allele origin: germline. Not counted in ClinVar's aggregate classification.

Epithelial Biology;  Institute of Medical Biology, Singapore
No classification provided. Review status: no classification provided. Collection method: not provided. Allele origin: not provided. Not counted in ClinVar's aggregate classification.

Literature cited by the submitters: PubMed 7520042 (cited by Labcorp Genetics (formerly Invitae), Labcorp and OMIM); PubMed 8807337 (cited by OMIM).

NM_000424.4(KRT5):c.980T>C (p.Met327Thr)

Gene: KRT5 (keratin 5; minus strand). Cytogenetic location: 12q13.13.
Variant type: single nucleotide variant.
Coding change: c.980T>C on transcript NM_000424.4 (MANE Select); coding-DNA position 980, T replaced by C.
Protein change: p.Met327Thr; replaces methionine 327 with threonine.
Molecular consequence: missense variant.
Genome position (GRCh38, 1-based): chr12:52,517,702, A>G on the plus strand (T>C on the coding strand, the complement: KRT5 is on the minus strand). VCF-style: chr12-52517702-A-G. GRCh37 (hg19) VCF-style: chr12-52911486-A-G.
Other names: short protein forms M327T.
Identifiers: ClinVar variation 14641 (VCV000014641.13), dbSNP rs58072617, ClinGen allele CA216803.